The following is an entry in ClinVar:

NM_000252.3(MTM1):c.952C>T (p.Arg318Trp)

Gene: MTM1 (myotubularin 1; plus strand). Cytogenetic location: Xq28.
Variant type: single nucleotide variant.
Coding change: c.952C>T on transcript NM_000252.3 (MANE Select); coding-DNA position 952, C replaced by T.
Protein change: p.Arg318Trp; replaces arginine 318 with tryptophan.
Molecular consequence: missense variant.
Genome position (GRCh38, 1-based): chrX:150,649,800, C>T. VCF-style: chrX-150649800-C-T. GRCh37 (hg19) VCF-style: chrX-149818273-C-T.
Other names: c.952C>T, p.Arg318Trp (NM_001376906.1, NM_001376908.1); c.841C>T, p.Arg281Trp (NM_001376907.1); short protein forms R318W, R281W.
Identifiers: ClinVar variation 955643 (VCV000955643.6), dbSNP rs2039989751, ClinGen allele CA415257038.

ClinVar aggregate classification (germline): Uncertain significance (1 of 4 stars; one submission).

Conditions:
Severe X-linked myotubular myopathy (CNMX). Also called: MYOTUBULAR MYOPATHY 1; X-linked centronuclear myopathy; Myotubular myopathy, X-linked. Identifiers: Orphanet 596, MedGen C0410203, MONDO:0010683, OMIM 310400.

Allele frequency attached by ClinVar (database versions not stated): gnomAD exomes below 0.00001.
gnomAD v4.1: 1 of 1,206,600 alleles (0.000083%); highest among the groups gnomAD compares: Non-Finnish European, 0.00011%; no homozygotes.

Submission:

Labcorp Genetics (formerly Invitae), Labcorp
Classification: Uncertain significance for Severe X-linked myotubular myopathy. Last evaluated: 2022-06-04. Review status: criteria provided, single submitter. Criteria: Invitae Variant Classification Sherloc (09022015). Collection method: clinical testing. Allele origin: germline.
Comment: This sequence change replaces arginine, which is basic and polar, with tryptophan, which is neutral and slightly polar, at codon 318 of the MTM1 protein (p.Arg318Trp). This variant is not present in population databases (gnomAD no frequency). This variant has not been reported in the literature in individuals affected with MTM1-related conditions. ClinVar contains an entry for this variant (Variation ID: 955643). Algorithms developed to predict the effect of missense changes on protein structure and function are either unavailable or do not agree on the potential impact of this missense change (SIFT: "Deleterious"; PolyPhen-2: "Probably Damaging"; Align-GVGD: "Class C0"). In summary, the available evidence is currently insufficient to determine the role of this variant in disease. Therefore, it has been classified as a Variant of Uncertain Significance.